The following is an entry in ClinVar:

ClinVar aggregate classification (germline): Conflicting classifications of pathogenicity. Review status: criteria provided, conflicting classifications (1 of 4 stars). 3 submissions from 3 submitters: Uncertain significance (1); Likely benign (2). Last evaluated 2025-10-27.

Conditions:
Interstitial lung disease due to ABCA3 deficiency. Also called: PULMONARY ALVEOLAR PROTEINOSIS, CONGENITAL, 3. Identifiers: Orphanet 440402, MedGen C1970456, MONDO:0012582, OMIM 610921.
ABCA3-related disorder. Also called: ABCA3-related condition.

Allele frequency attached by ClinVar (database versions not stated): gnomAD exomes 0.00001 and 0.00003; gnomAD 0.00003 and 0.00004; TOPMed 0.00003; ExAC 0.00001.
gnomAD v4.1: 56 of 1,614,088 alleles (0.0035%); highest among the groups gnomAD compares: Non-Finnish European, 0.004%; no homozygotes.

Submissions (3):

Labcorp Genetics (formerly Invitae), Labcorp
Classification: Likely benign. Last evaluated: 2025-10-27. Review status: criteria provided, single submitter. Criteria: Invitae Variant Classification Sherloc (09022015). Collection method: clinical testing. Allele origin: germline.

PreventionGenetics, part of Exact Sciences
Classification: Likely benign for ABCA3-related condition. Last evaluated: 2025-03-27. Review status: criteria provided, single submitter. Criteria: ACMG Guidelines, 2015. Collection method: clinical testing. Allele origin: germline.
Comment: This variant is classified as likely benign based on ACMG/AMP sequence variant interpretation guidelines (Richards et al. 2015 PMID: 25741868, with internal and published modifications).

Illumina Laboratory Services, Illumina
Classification: Uncertain significance for Interstitial lung disease due to ABCA3 deficiency. Last evaluated: 2018-01-12. Review status: criteria provided, single submitter. Criteria: ICSL Variant Classification Criteria 13 December 2019. Collection method: clinical testing. Allele origin: germline.

NM_001089.3(ABCA3):c.1143C>G (p.Leu381=)

Gene: ABCA3 (ATP binding cassette subfamily A member 3; minus strand). Cytogenetic location: 16p13.3.
Variant type: single nucleotide variant.
Coding change: c.1143C>G on transcript NM_001089.3 (MANE Select); coding-DNA position 1143, C replaced by G.
Protein change: p.Leu381=; no amino-acid change (leucine 381 retained).
Molecular consequence: synonymous variant.
Genome position (GRCh38, 1-based): chr16:2,308,592, G>C on the plus strand (C>G on the coding strand, the complement: ABCA3 is on the minus strand). VCF-style: chr16-2308592-G-C. GRCh37 (hg19) VCF-style: chr16-2358593-G-C.
Identifiers: ClinVar variation 888367 (VCV000888367.8), dbSNP rs766609184, ClinGen allele CA7841348.